The following is an entry in ClinVar:

NM_144670.6(A2ML1):c.1674T>G (p.Phe558Leu)

Gene: A2ML1 (alpha-2-macroglobulin like 1; plus strand). Cytogenetic location: 12p13.31.
Variant type: single nucleotide variant.
Coding change: c.1674T>G on transcript NM_144670.6 (MANE Select); coding-DNA position 1674, T replaced by G.
Protein change: p.Phe558Leu; replaces phenylalanine 558 with leucine.
Molecular consequence: missense variant.
Genome position (GRCh38, 1-based): chr12:8,846,213, T>G. VCF-style: chr12-8846213-T-G. GRCh37 (hg19) VCF-style: chr12-8998809-T-G.
Other names: c.201T>G, p.Phe67Leu (NM_001282424.3); short protein forms F558L, F67L.
Identifiers: ClinVar variation 2817667 (VCV002817667.3), dbSNP rs2539237350, ClinGen allele CA383827964.

ClinVar aggregate classification (germline): Uncertain significance (1 of 4 stars; one submission).

Submission:

Labcorp Genetics (formerly Invitae), Labcorp
Classification: Uncertain significance. Last evaluated: 2022-11-30. Review status: criteria provided, single submitter. Criteria: Invitae Variant Classification Sherloc (09022015). Collection method: clinical testing. Allele origin: germline.
Comment: This sequence change replaces phenylalanine, which is neutral and non-polar, with leucine, which is neutral and non-polar, at codon 558 of the A2ML1 protein (p.Phe558Leu). This variant is not present in population databases (gnomAD no frequency). This variant has not been reported in the literature in individuals affected with A2ML1-related conditions. Algorithms developed to predict the effect of missense changes on protein structure and function (SIFT, PolyPhen-2, Align-GVGD) all suggest that this variant is likely to be tolerated. In summary, the available evidence is currently insufficient to determine the role of this variant in disease. Therefore, it has been classified as a Variant of Uncertain Significance.